The following is an entry in ClinVar:

ClinVar aggregate classification (germline): Uncertain significance (1 of 4 stars; one submission).

Submission:

Dasa
Classification: Uncertain significance. Last evaluated: 2026-02-11. Review status: criteria provided, single submitter. Criteria: DASA Assertion Criteria. Collection method: clinical testing. Allele origin: germline.
Comment: NM_001080467.3(MYO5B):c.2415-144G>A is an intronic variant. This variant is absent from population databases. The currently available literature and clinical evidence are not sufficient to establish a definitive association between this variant and the reported condition. Therefore, this variant is classified as a variant of uncertain significance.

NM_001080467.3(MYO5B):c.2415-144G>A

Gene: MYO5B (myosin VB; minus strand). Cytogenetic location: 18q21.1.
Variant type: single nucleotide variant.
Coding change: c.2415-144G>A on transcript NM_001080467.3 (MANE Select); 144 bases into the intron before coding-DNA position 2415, G replaced by A.
Molecular consequence: intron variant.
Genome position (GRCh38, 1-based): chr18:49,904,972, C>T on the plus strand (G>A on the coding strand, the complement: MYO5B is on the minus strand). VCF-style: chr18-49904972-C-T. GRCh37 (hg19) VCF-style: chr18-47431342-C-T.
Identifiers: ClinVar variation 4886061 (VCV004886061.2).
Genomic context (GRCh38, chr18:49,904,972, plus strand): 5'-CAAACCTCTCCCTCTGTGGCCCTACCTGGACACACCCAGGGGAAACCAACTCTCTTCACC[C>T]CTAACAAATGTAGCAATGCCTTAGGCATTTGACGTTGTGGCTAGAAAAGCAGTGTTAGTT-3'